The following is an entry in ClinVar:

NM_001399.5(EDA):c.28G>A (p.Glu10Lys)

Gene: EDA (ectodysplasin A; plus strand). Cytogenetic location: Xq13.1.
Variant type: single nucleotide variant.
Coding change: c.28G>A on transcript NM_001399.5 (MANE Select); coding-DNA position 28, G replaced by A.
Protein change: p.Glu10Lys; replaces glutamic acid 10 with lysine.
Molecular consequence: missense variant.
Genome position (GRCh38, 1-based): chrX:69,616,336, G>A. VCF-style: chrX-69616336-G-A. GRCh37 (hg19) VCF-style: chrX-68836180-G-A.
Other names: c.28G>A, p.Glu10Lys (NM_001005609.2, NM_001005610.4, NM_001005612.3 and 1 more transcripts); short protein forms E10K.
Identifiers: ClinVar variation 1309074 (VCV001309074.2), dbSNP rs754851778, ClinGen allele CA413446932.

ClinVar aggregate classification (germline): Uncertain significance (1 of 4 stars; one submission).

gnomAD v4.1: 8 of 1,202,747 alleles (0.00067%); highest among the groups gnomAD compares: South Asian, 0.0088%; no homozygotes.

Submission:

GeneDx
Classification: Uncertain significance. Last evaluated: 2019-10-15. Review status: criteria provided, single submitter. Criteria: GeneDx Variant Classification Process June 2021. Collection method: clinical testing. Allele origin: germline. Affected: yes.
Comment: Not observed in large population cohorts (Lek et al., 2016); The majority of missense variants in this gene are considered pathogenic (Stenson et al., 2014); In silico analysis, which includes protein predictors and evolutionary conservation, supports that this variant does not alter protein structure/function; Has not been previously published as pathogenic or benign to our knowledge